The following is an entry in ClinVar:

NM_032447.5(FBN3):c.832C>T (p.His278Tyr)

Gene: FBN3 (fibrillin 3; minus strand). Cytogenetic location: 19p13.2.
Variant type: single nucleotide variant.
Coding change: c.832C>T on transcript NM_032447.5 (MANE Select); coding-DNA position 832, C replaced by T.
Protein change: p.His278Tyr; replaces histidine 278 with tyrosine.
Molecular consequence: missense variant.
Genome position (GRCh38, 1-based): chr19:8,141,750, G>A on the plus strand (C>T on the coding strand, the complement: FBN3 is on the minus strand). VCF-style: chr19-8141750-G-A. GRCh37 (hg19) VCF-style: chr19-8206634-G-A.
Other names: c.832C>T, p.His278Tyr (NM_001321431.2); c.832C>T (NM_001321431.1, NM_032447.3); short protein forms H278Y.
Identifiers: ClinVar variation 1569049 (VCV001569049.11), dbSNP rs146977165, ClinGen allele CA9153581.

ClinVar aggregate classification (germline): Conflicting classifications of pathogenicity. Review status: criteria provided, conflicting classifications (1 of 4 stars). 3 submissions from 3 submitters: Uncertain significance (1); Likely benign (1). 1 of the submissions does not count toward it. Last evaluated 2025-12-01.

Conditions:
FBN3-related disorder. Also called: FBN3-related condition.

Allele frequency attached by ClinVar (database versions not stated): gnomAD exomes 0.00012 and 0.00027; ExAC 0.00034; 1000 Genomes Project 0.00120; gnomAD 0.00120 and 0.00133; TOPMed 0.00132; 1000 Genomes Project 30x 0.00141; ESP Exome Variant Server 0.00169.
gnomAD v4.1: 362 of 1,614,150 alleles (0.022%); highest among the groups gnomAD compares: African/African-American, 0.46%; 1 homozygote.

Submissions (3):

Labcorp Genetics (formerly Invitae), Labcorp
Classification: Likely benign. Last evaluated: 2025-12-01. Review status: criteria provided, single submitter. Criteria: Invitae Variant Classification Sherloc (09022015). Collection method: clinical testing. Allele origin: germline.

Ambry Genetics
Classification: Uncertain significance. Last evaluated: 2025-08-26. Review status: criteria provided, single submitter. Criteria: Ambry Variant Classification Scheme 2023. Collection method: clinical testing. Allele origin: germline.

PreventionGenetics, part of Exact Sciences
Classification: Likely benign for FBN3-related condition. Last evaluated: 2020-02-20. Review status: no assertion criteria provided. Collection method: clinical testing. Allele origin: germline. Not counted in ClinVar's aggregate classification.
Comment: This variant is classified as likely benign based on ACMG/AMP sequence variant interpretation guidelines (Richards et al. 2015 PMID: 25741868, with internal and published modifications).